The following is an entry in ClinVar:

ClinVar aggregate classification (germline): Likely benign. Review status: criteria provided, single submitter (1 of 4 stars). 2 submissions from 2 submitters: Likely benign (1). 1 of the submissions does not count toward it. Last evaluated 2025-09-11.

Conditions:
TBX3-related disorder. Also called: TBX3-related condition.
Ulnar-mammary syndrome (UMS). Also called: SCHINZEL SYNDROME; Ulnar-mammary syndrome of Pallister; PALLISTER ULNAR-MAMMARY SYNDROME. Identifiers: Orphanet 3138, MedGen C1866994, MONDO:0008411, OMIM 181450.

Allele frequency attached by ClinVar (database versions not stated): gnomAD 0.00001; TOPMed 0.00003; gnomAD exomes 0.00004.
gnomAD v4.1: 68 of 1,547,410 alleles (0.0044%); highest among the groups gnomAD compares: Middle Eastern, 0.017%; no homozygotes.

Submissions (2):

Labcorp Genetics (formerly Invitae), Labcorp
Classification: Likely benign for Ulnar-mammary syndrome. Last evaluated: 2025-09-11. Review status: criteria provided, single submitter. Criteria: Invitae Variant Classification Sherloc (09022015). Collection method: clinical testing. Allele origin: germline.

PreventionGenetics, part of Exact Sciences
Classification: Likely benign for TBX3-related condition. Last evaluated: 2019-06-25. Review status: no assertion criteria provided. Collection method: clinical testing. Allele origin: germline. Not counted in ClinVar's aggregate classification.
Comment: This variant is classified as likely benign based on ACMG/AMP sequence variant interpretation guidelines (Richards et al. 2015 PMID: 25741868, with internal and published modifications).

NM_005996.4(TBX3):c.1432C>T (p.Leu478=)

Gene: TBX3 (T-box transcription factor 3; minus strand). Cytogenetic location: 12q24.21.
Variant type: single nucleotide variant.
Coding change: c.1432C>T on transcript NM_005996.4 (MANE Select); coding-DNA position 1432, C replaced by T.
Protein change: p.Leu478=; no amino-acid change (leucine 478 retained).
Molecular consequence: synonymous variant.
Genome position (GRCh38, 1-based): chr12:114,674,443, G>A on the plus strand (C>T on the coding strand, the complement: TBX3 is on the minus strand). VCF-style: chr12-114674443-G-A. GRCh37 (hg19) VCF-style: chr12-115112248-G-A.
Other names: c.1492C>T (NM_016569.3); c.1492C>T, p.Leu498= (NM_016569.4).
Identifiers: ClinVar variation 1538875 (VCV001538875.10), dbSNP rs779479067, ClinGen allele CA6809919.